The following is an entry in ClinVar:

ClinVar aggregate classification (germline): Uncertain significance (1 of 4 stars; one submission).

Conditions:
Retinoblastoma (RB1). Also called: RETINOBLASTOMA, SOMATIC. Identifiers: Orphanet 790, MedGen C0035335, MeSH D012175, MONDO:0008380, OMIM 180200, HP:0009919. Disease mechanism: loss of function. Inheritance: Both sporadic and heritable forms are tested..

Submission:

All of Us Research Program, National Institutes of Health
Classification: Uncertain significance for Retinoblastoma. Last evaluated: 2023-09-04. Review status: criteria provided, single submitter. Criteria: ACMG Guidelines, 2015. Collection method: clinical testing. Allele origin: germline. Inheritance: Autosomal dominant inheritance. Observed: 1 variant allele, 1 heterozygote.
Comment: This variant causes the deletion of one valine at codon 45 in the RB1 protein. To our knowledge, functional studies have not been reported for this variant. This variant has not been reported in individuals affected with RB1-related disorders in the literature. This variant has not been identified in the general population by the Genome Aggregation Database (gnomAD). The available evidence is insufficient to determine the role of this variant in disease conclusively. Therefore, this variant is classified as a Variant of Uncertain Significance.

This study involves interpretation of variants in research participants for the purpose of population health screening. Participant phenotype was not available at the time of variant classification. Additional details can be found in publication PMID: 35346344, PMCID: PMC8962531

NM_000321.3(RB1):c.133_135del (p.Val45del)

Gene: RB1 (RB transcriptional corepressor 1; plus strand). Cytogenetic location: 13q14.2.
Variant type: Deletion.
Coding change: c.133_135del on transcript NM_000321.3 (MANE Select); coding-DNA positions 133 to 135, 3 bases deleted (GTC; older notation c.133_135delGTC).
Protein change: p.Val45del; deletes valine 45.
Molecular consequence: inframe deletion.
Genome position (GRCh38, 1-based): chr13:48,304,045-48,304,047, GTC deleted; deleting any 3 consecutive bases within chr13:48,304,043-48,304,047 gives the same sequence; the c. name uses the placement nearest the transcript's 3' end. VCF-style (leftmost placement, unchanged base first): chr13-48304042-CTCG-C. GRCh37 (hg19) VCF-style: chr13-48878178-CTCG-C.
Other names: c.133_135del, p.Val45del (NM_001407165.1, NM_001407166.1, NM_001407167.1); short protein forms V45del.
Identifiers: ClinVar variation 3073310 (VCV003073310.1), dbSNP rs2542094512, ClinGen allele CA2622977314.